The following is an entry in ClinVar:

ClinVar aggregate classification (germline): Uncertain significance. Review status: criteria provided, multiple submitters, no conflicts (2 of 4 stars). 2 submissions from 2 submitters: Uncertain significance (2). Last evaluated 2025-03-09.

Conditions:
HYPERHOMOCYSTEINEMIA, THROMBOTIC, CBS-RELATED. Identifiers: MedGen C3150344, OMIM 236200.

Allele frequency attached by ClinVar (database versions not stated): gnomAD exomes below 0.00001; ExAC 0.00001.

Submissions (2):

Women's Health and Genetics/Laboratory Corporation of America, LabCorp
Classification: Uncertain significance. Last evaluated: 2025-03-09. Review status: criteria provided, single submitter. Criteria: LabCorp Variant Classification Summary - May 2015. Collection method: clinical testing. Allele origin: germline.
Comment: Variant summary: CBS c.626G>A (p.Arg209Gln) results in a conservative amino acid change in the encoded protein sequence. Three of five in-silico tools predict a benign effect of the variant on protein function. The variant allele was found at a frequency of 4e-06 in 249896 control chromosomes. The available data on variant occurrences in the general population are insufficient to allow any conclusion about variant significance. To our knowledge, no occurrence of c.626G>A in individuals affected with Homocystinuria and no experimental evidence demonstrating its impact on protein function have been reported. ClinVar contains an entry for this variant (Variation ID: 1425515). Based on the evidence outlined above, the variant was classified as uncertain significance.

Labcorp Genetics (formerly Invitae), Labcorp
Classification: Uncertain significance for HYPERHOMOCYSTEINEMIA, THROMBOTIC, CBS-RELATED. Last evaluated: 2022-06-03. Review status: criteria provided, single submitter. Criteria: Invitae Variant Classification Sherloc (09022015). Collection method: clinical testing. Allele origin: germline.
Comment: This sequence change replaces arginine, which is basic and polar, with glutamine, which is neutral and polar, at codon 209 of the CBS protein (p.Arg209Gln). The frequency data for this variant in the population databases is considered unreliable, as metrics indicate poor data quality at this position in the gnomAD database. This variant has not been reported in the literature in individuals affected with CBS-related conditions. ClinVar contains an entry for this variant (Variation ID: 1425515). Algorithms developed to predict the effect of missense changes on protein structure and function (SIFT, PolyPhen-2, Align-GVGD) all suggest that this variant is likely to be tolerated. Algorithms developed to predict the effect of sequence changes on RNA splicing suggest that this variant may create or strengthen a splice site. In summary, the available evidence is currently insufficient to determine the role of this variant in disease. Therefore, it has been classified as a Variant of Uncertain Significance.

NM_000071.3(CBS):c.626G>A (p.Arg209Gln)

Gene: CBS (cystathionine beta-synthase; minus strand). Cytogenetic location: 21q22.3.
Variant type: single nucleotide variant.
Coding change: c.626G>A on transcript NM_000071.3 (MANE Select); coding-DNA position 626, G replaced by A.
Protein change: p.Arg209Gln; replaces arginine 209 with glutamine.
Molecular consequence: missense variant.
Genome position (GRCh38, 1-based): chr21:43,065,427, C>T on the plus strand (G>A on the coding strand, the complement: CBS is on the minus strand). VCF-style: chr21-43065427-C-T. GRCh37 (hg19) VCF-style: chr21-44485537-C-T.
Other names: c.626G>A, p.Arg209Gln (NM_001178008.3, NM_001178009.3, NM_001320298.2); c.311G>A, p.Arg104Gln (NM_001321072.1); short protein forms R104Q, R209Q.
Identifiers: ClinVar variation 1425515 (VCV001425515.4), dbSNP rs781759129, ClinGen allele CA321095905.